The following is an entry in ClinVar:

ClinVar aggregate classification (germline): Likely benign (1 of 4 stars; one submission).

gnomAD v4.1: 1,037 of 1,573,508 alleles (0.066%); highest among the groups gnomAD compares: African/African-American, 0.84%; 7 homozygotes.

Submission:

CeGaT Center for Human Genetics Tuebingen
Classification: Likely benign. Last evaluated: 2026-04-01. Review status: criteria provided, single submitter. Criteria: CeGaT Center For Human Genetics Tuebingen Variant Classification Criteria Version 2. Collection method: clinical testing. Allele origin: germline. Affected: yes. Observed: 1 variant allele.
Comment: ENDOG: BP4, BP7

NM_004435.2(ENDOG):c.753C>T (p.Asn251=)

Genes: ENDOG (endonuclease G; plus strand), KYAT1-SPOUT1 (KYAT1-SPOUT1 readthrough; minus strand), SPOUT1 (SPOUT domain containing methyltransferase 1; minus strand). Cytogenetic location: 9q34.11.
Variant type: single nucleotide variant.
Coding change: c.753C>T on transcript NM_004435.2 (MANE Select); coding-DNA position 753, C replaced by T.
Protein change: p.Asn251=; no amino-acid change (asparagine 251 retained).
Molecular consequence: synonymous variant. On other transcripts: 3 prime UTR variant (2), non-coding transcript variant (2).
Genome position (GRCh38, 1-based): chr9:128,822,469, C>T. VCF-style: chr9-128822469-C-T. GRCh37 (hg19) VCF-style: chr9-131584748-C-T.
Other names: c.*296G>A (NM_001414398.1, NM_016390.4).
Identifiers: ClinVar variation 4872595 (VCV004872595.2).
Genomic context (GRCh38, chr9:128,822,469, plus strand): 5'-GGTGCTGATCCTGGAGGCAGCAGGTGGGCAAATTGAGCTCCGCACCTACGTGATGCCCAA[C>T]GCACCTGTGGATGAGGCCATCCCACTGGAGCGCTTCCTGGTGCCCATCGAGAGCATTGAG-3'
Protein context (NP_004426.2, residues 241-261): QIELRTYVMP[Asn251=]APVDEAIPLE